The following is an entry in ClinVar:

ClinVar aggregate classification (germline): Uncertain significance (1 of 4 stars; one submission).

gnomAD v4.1: 1 of 1,614,182 alleles (0.000062%); highest among the groups gnomAD compares: Admixed American, 0.0017%; no homozygotes.

Submission:

Labcorp Genetics (formerly Invitae), Labcorp
Classification: Uncertain significance. Last evaluated: 2025-03-16. Review status: criteria provided, single submitter. Criteria: Invitae Variant Classification Sherloc (09022015). Collection method: clinical testing. Allele origin: germline.
Comment: This sequence change replaces valine, which is neutral and non-polar, with leucine, which is neutral and non-polar, at codon 677 of the FAT4 protein (p.Val677Leu). This variant is present in population databases (rs762304568, gnomAD 0.003%). This variant has not been reported in the literature in individuals affected with FAT4-related conditions. Invitae Evidence Modeling of protein sequence and biophysical properties (such as structural, functional, and spatial information, amino acid conservation, physicochemical variation, residue mobility, and thermodynamic stability) indicates that this missense variant is not expected to disrupt FAT4 protein function with a negative predictive value of 80%. In summary, the available evidence is currently insufficient to determine the role of this variant in disease. Therefore, it has been classified as a Variant of Uncertain Significance.

NM_001291303.3(FAT4):c.2029G>T (p.Val677Leu)

Gene: FAT4 (FAT atypical cadherin 4; plus strand). Cytogenetic location: 4q28.1.
Variant type: single nucleotide variant.
Coding change: c.2029G>T on transcript NM_001291303.3 (MANE Select); coding-DNA position 2029, G replaced by T.
Protein change: p.Val677Leu; replaces valine 677 with leucine.
Molecular consequence: missense variant. On other transcripts: intron variant (1).
Genome position (GRCh38, 1-based): chr4:125,318,440, G>T. VCF-style: chr4-125318440-G-T. GRCh37 (hg19) VCF-style: chr4-126239595-G-T.
Other names: c.2029G>T, p.Val677Leu (NM_001291285.3, NM_001438396.1, NM_001438397.1 and 1 more transcripts); c.-55+2463G>T (NM_001437895.1); short protein forms V677L.
Identifiers: ClinVar variation 4701598 (VCV004701598.1).